The following is an entry in ClinVar:

ClinVar aggregate classification (germline): Uncertain significance (1 of 4 stars; one submission).

Allele frequency attached by ClinVar (database versions not stated): TOPMed below 0.00001; ExAC 0.00001; gnomAD exomes 0.00001.
gnomAD v4.1: 11 of 1,614,064 alleles (0.00068%); highest among the groups gnomAD compares: East Asian, 0.0022%; no homozygotes.

Submission:

Labcorp Genetics (formerly Invitae), Labcorp
Classification: Uncertain significance. Last evaluated: 2026-01-19. Review status: criteria provided, single submitter. Criteria: Invitae Variant Classification Sherloc (09022015). Collection method: clinical testing. Allele origin: germline.
Comment: This sequence change replaces isoleucine, which is neutral and non-polar, with valine, which is neutral and non-polar, at codon 223 of the NANS protein (p.Ile223Val). This variant is present in population databases (rs751714500, gnomAD 0.006%). This variant has not been reported in the literature in individuals affected with NANS-related conditions. ClinVar contains an entry for this variant (Variation ID: 1974752). An algorithm developed to predict the effect of missense changes on protein structure and function outputs the following: PolyPhen-2: "Benign". The valine amino acid residue is found in multiple mammalian species, which suggests that this missense change does not adversely affect protein function. In summary, the available evidence is currently insufficient to determine the role of this variant in disease. Therefore, it has been classified as a Variant of Uncertain Significance.

NM_018946.4(NANS):c.667A>G (p.Ile223Val)

Genes: NANS (N-acetylneuraminate synthase; plus strand), TRIM14 (tripartite motif containing 14; minus strand). Cytogenetic location: 9q22.33.
Variant type: single nucleotide variant.
Coding change: c.667A>G on transcript NM_018946.4 (MANE Select); coding-DNA position 667, A replaced by G.
Protein change: p.Ile223Val; replaces isoleucine 223 with valine.
Molecular consequence: missense variant.
Genome position (GRCh38, 1-based): chr9:98,080,879, A>G. VCF-style: chr9-98080879-A-G. GRCh37 (hg19) VCF-style: chr9-100843161-A-G.
Other names: short protein forms I223V.
Identifiers: ClinVar variation 1974752 (VCV001974752.5), dbSNP rs751714500, ClinGen allele CA5150361.